The following is an entry in ClinVar:

ClinVar aggregate classification (germline): Uncertain significance. Review status: criteria provided, multiple submitters, no conflicts (2 of 4 stars). 2 submissions from 2 submitters: Uncertain significance (2). Last evaluated 2022-06-01.

gnomAD v4.1: 2 of 1,613,598 alleles (0.00012%); highest among the groups gnomAD compares: Non-Finnish European, 0.00017%; no homozygotes.

Submissions (2):

CeGaT Center for Human Genetics Tuebingen
Classification: Uncertain significance. Last evaluated: 2022-06-01. Review status: criteria provided, single submitter. Criteria: CeGaT Center For Human Genetics Tuebingen Variant Classification Criteria Version 2. Collection method: clinical testing. Allele origin: germline. Affected: yes. Observed: 1 variant allele.
Comment: B3GALNT2: PM2, PM3

Blueprint Genetics
Classification: Uncertain significance. Last evaluated: 2022-01-24. Review status: criteria provided, single submitter. Criteria: ACMG Guidelines, 2015. Collection method: clinical testing. Allele origin: germline.

NM_152490.5(B3GALNT2):c.1234T>G (p.Cys412Gly)

Gene: B3GALNT2 (beta-1,3-N-acetylgalactosaminyltransferase 2; minus strand). Cytogenetic location: 1q42.3.
Variant type: single nucleotide variant.
Coding change: c.1234T>G on transcript NM_152490.5 (MANE Select); coding-DNA position 1234, T replaced by G.
Protein change: p.Cys412Gly; replaces cysteine 412 with glycine.
Molecular consequence: missense variant.
Genome position (GRCh38, 1-based): chr1:235,454,233, A>C on the plus strand (T>G on the coding strand, the complement: B3GALNT2 is on the minus strand). VCF-style: chr1-235454233-A-C. GRCh37 (hg19) VCF-style: chr1-235617545-A-C.
Other names: short protein forms C412G.
Identifiers: ClinVar variation 1701128 (VCV001701128.32), dbSNP rs1486202893, ClinGen allele CA344956910.